The following is an entry in ClinVar:

NM_000245.4(MET):c.3074A>G (p.Gln1025Arg)

Gene: MET (MET proto-oncogene, receptor tyrosine kinase; plus strand). Cytogenetic location: 7q31.2.
Variant type: single nucleotide variant.
Coding change: c.3074A>G on transcript NM_000245.4 (MANE Select); coding-DNA position 3074, A replaced by G.
Protein change: p.Gln1025Arg; replaces glutamine 1025 with arginine.
Molecular consequence: missense variant.
Genome position (GRCh38, 1-based): chr7:116,774,926, A>G. VCF-style: chr7-116774926-A-G. GRCh37 (hg19) VCF-style: chr7-116414980-A-G.
Other names: c.3128A>G, p.Gln1043Arg (NM_001127500.3); c.1784A>G, p.Gln595Arg (NM_001324402.2); c.3128A>G (NM_001127500.1); short protein forms Q1025R, Q1043R, Q595R.
Identifiers: ClinVar variation 999445 (VCV000999445.9), dbSNP rs1794947477, ClinGen allele CA368987950.
Genomic context (GRCh38, chr7:116,774,926, plus strand): 5'-TCCTTCATCTTACAGATCAGTTTCCTAATTCATCTCAGAACGGTTCATGCCGACAAGTGC[A>G]GTATCCTCTGACAGACATGTCCCCCATCCTAACTAGTGGGGACTCTGATATATCCAGTCC-3'
Protein context (NP_000236.2, residues 1015-1035): SSQNGSCRQV[Gln1025Arg]YPLTDMSPIL

ClinVar aggregate classification (germline): Uncertain significance. Review status: criteria provided, multiple submitters, no conflicts (2 of 4 stars). 2 submissions from 2 submitters: Uncertain significance (2). Last evaluated 2026-03-12.

Conditions:
Renal cell carcinoma. Identifiers: Orphanet 217071, MedGen C0007134, MeSH D002292, MONDO:0005086, HP:0005584.
Hereditary cancer-predisposing syndrome. Also called: Tumor predisposition; Hereditary neoplastic syndrome; Hereditary Cancer Syndrome; Neoplastic Syndromes, Hereditary. Identifiers: Orphanet 140162, MedGen C0027672, MeSH D009386, MONDO:0015356.

Allele frequency attached by ClinVar (database versions not stated): gnomAD exomes below 0.00001.
gnomAD v4.1: 1 of 1,614,214 alleles (0.000062%); highest among the groups gnomAD compares: Non-Finnish European, 0.000085%; no homozygotes.

Submissions (2):

Ambry Genetics
Classification: Uncertain significance for Hereditary cancer-predisposing syndrome. Last evaluated: 2026-03-12. Review status: criteria provided, single submitter. Criteria: Ambry Variant Classification Scheme 2023. Collection method: clinical testing. Allele origin: germline.
Comment: The p.Q1043R variant (also known as c.3128A>G), located in coding exon 14 of the MET gene, results from an A to G substitution at nucleotide position 3128. The glutamine at codon 1043 is replaced by arginine, an amino acid with highly similar properties. This amino acid position is conserved. In addition, this alteration is predicted to be tolerated by in silico analysis. Based on the available evidence, the clinical significance of this variant remains unclear.

Labcorp Genetics (formerly Invitae), Labcorp
Classification: Uncertain significance for Renal cell carcinoma. Last evaluated: 2025-08-11. Review status: criteria provided, single submitter. Criteria: Invitae Variant Classification Sherloc (09022015). Collection method: clinical testing. Allele origin: germline.
Comment: This sequence change replaces glutamine, which is neutral and polar, with arginine, which is basic and polar, at codon 1043 of the MET protein (p.Gln1043Arg). This variant is not present in population databases (gnomAD no frequency). This variant has not been reported in the literature in individuals affected with MET-related conditions. ClinVar contains an entry for this variant (Variation ID: 999445). An algorithm developed to predict the effect of missense changes on protein structure and function (PolyPhen-2) suggests that this variant is likely to be tolerated. In summary, the available evidence is currently insufficient to determine the role of this variant in disease. Therefore, it has been classified as a Variant of Uncertain Significance.